The following is an entry in ClinVar:

ClinVar aggregate classification (germline): Uncertain significance (1 of 4 stars; one submission).

Submission:

GeneDx
Classification: Uncertain significance. Last evaluated: 2023-11-08. Review status: criteria provided, single submitter. Criteria: GeneDx Variant Classification Process June 2021. Collection method: clinical testing. Allele origin: germline. Affected: yes.
Comment: Not observed at significant frequency in large population cohorts (gnomAD); In silico analysis supports that this missense variant does not alter protein structure/function; Has not been previously published as pathogenic or benign to our knowledge

NM_001039591.3(USP9X):c.991T>A (p.Leu331Ile)

Gene: USP9X (ubiquitin specific peptidase 9 X-linked; plus strand). Cytogenetic location: Xp11.4.
Variant type: single nucleotide variant.
Coding change: c.991T>A on transcript NM_001039591.3 (MANE Select); coding-DNA position 991, T replaced by A.
Protein change: p.Leu331Ile; replaces leucine 331 with isoleucine.
Molecular consequence: missense variant.
Genome position (GRCh38, 1-based): chrX:41,141,186, T>A. VCF-style: chrX-41141186-T-A. GRCh37 (hg19) VCF-style: chrX-41000439-T-A.
Other names: c.991T>A, p.Leu331Ile (NM_001039590.3, NM_001410748.1, NM_001410749.1); short protein forms L331I.
Identifiers: ClinVar variation 3363604 (VCV003363604.1).